The following is an entry in ClinVar:

NM_000059.4(BRCA2):c.6443C>A (p.Ser2148Tyr)

Gene: BRCA2 (BRCA2 DNA repair associated; plus strand). Cytogenetic location: 13q13.1.
Variant type: single nucleotide variant.
Coding change: c.6443C>A on transcript NM_000059.4 (MANE Select); coding-DNA position 6443, C replaced by A.
Protein change: p.Ser2148Tyr; replaces serine 2148 with tyrosine.
Molecular consequence: missense variant.
Genome position (GRCh38, 1-based): chr13:32,340,798, C>A. VCF-style: chr13-32340798-C-A. GRCh37 (hg19) VCF-style: chr13-32914935-C-A.
Other names: 6671C>A; short protein forms S2148Y.
Identifiers: ClinVar variation 52096 (VCV000052096.40), dbSNP rs80358880, ClinGen allele CA024042.

ClinVar aggregate classification (germline): Conflicting classifications of pathogenicity. Review status: criteria provided, conflicting classifications (1 of 4 stars). 17 submissions from 17 submitters: Uncertain significance (4); Likely benign (9). 4 of the submissions do not count toward it. Last evaluated 2026-01-28.

Conditions:
BRCA2-related disorder. Also called: BRCA2-related condition; BRCA2-related disorders. Identifiers: MedGen CN239275.
Hereditary cancer-predisposing syndrome. Also called: Hereditary Cancer Syndrome; Neoplastic Syndromes, Hereditary; Hereditary neoplastic syndrome; Tumor predisposition. Identifiers: Orphanet 140162, MedGen C0027672, MeSH D009386, MONDO:0015356.
Hereditary breast ovarian cancer syndrome. Also called: Hereditary breast and ovarian cancer syndrome; Breast and ovarian cancer; BRCA1- and BRCA2-Associated Hereditary Breast and Ovarian Cancer; Hereditary breast and/or ovarian cancer syndrome; Hereditary breast and ovarian cancer; Hereditary breast and ovarian cancer syndrome (HBOC). Identifiers: Orphanet 145, MedGen C0677776, MeSH D061325, MONDO:0003582. Disease mechanism: loss of function.
Breast-ovarian cancer, familial, susceptibility to, 2 (BROVCA2). Also called: BRCA2 Hereditary Breast and Ovarian Cancer. Identifiers: Orphanet 145, MedGen C2675520, MONDO:0012933, OMIM 612555. Disease mechanism: loss of function.
Malignant tumor of breast. Also called: Malignant breast neoplasm; Cancer breast. Identifiers: MedGen C0006142, MONDO:0007254. Disease mechanism: loss of function.

Allele frequency attached by ClinVar (database versions not stated): gnomAD 0.00001 and 0.00002; ExAC 0.00002; gnomAD exomes 0.00003; TOPMed 0.00003; ESP Exome Variant Server 0.00008.
gnomAD v4.1: 21 of 1,592,576 alleles (0.0013%); highest among the groups gnomAD compares: Admixed American, 0.0055%; no homozygotes.

Submissions (17):

Labcorp Genetics (formerly Invitae), Labcorp
Classification: Likely benign for Hereditary breast ovarian cancer syndrome. Last evaluated: 2026-01-28. Review status: criteria provided, single submitter. Criteria: Invitae Variant Classification Sherloc (09022015). Collection method: clinical testing. Allele origin: germline.

PreventionGenetics, part of Exact Sciences
Classification: Likely benign for BRCA2-related condition. Last evaluated: 2026-01-11. Review status: criteria provided, single submitter. Criteria: ACMG Guidelines, 2015. Collection method: clinical testing. Allele origin: germline.
Comment: This variant is classified as likely benign based on ACMG/AMP sequence variant interpretation guidelines (Richards et al. 2015 PMID: 25741868, with internal and published modifications).

Center for Genomic Medicine, Rigshospitalet, Copenhagen University Hospital
Classification: Likely benign. Last evaluated: 2025-03-04. Review status: criteria provided, single submitter. Criteria: ACMG Guidelines, 2015. Collection method: clinical testing. Allele origin: germline.

Molecular Diagnostics Laboratory, Catalan Institute of Oncology
Classification: Likely benign for Hereditary cancer-predisposing syndrome. Last evaluated: 2025-02-09. Review status: criteria provided, single submitter. Criteria: ClinGen BRCA1BRCA2 ACMG Specifications BRCA2 V1.0.0. Collection method: clinical testing. Allele origin: germline.
Comment: BP1_Strong, BP5 c.6443C>A, located in exon 11 of the BRCA2 gene, is predicted to result in the substitution of Ser by Tyr at codon 2148, p.(Ser2148Tyr). This position is outside a (potentially) clinically important functional domain and, moreover, the SpliceAI algorithm predicts no significant impact on splicing (BP1_strong). This variant is found in 7/248268 alleles, at a frequency of 0.003% in the gnomAD v2.1.1 database, non-cancer dataset. Published clinical data for a multifactorial likelihood analysis (PMID: 31131967) showed a combined LR=0,33 (BP5). This variant has been reported in ClinVar (1x benign, 7x likely benign, 6x uncertain significance) and BRCA Exchange (not yet reviewed) databases, but it is not present in the LOVD database. Based on currently available information, the variant c.6443C>A should be considered a likely benign variant.

Hereditary Cancer Laboratory, Hospital Universitario 12 de Octubre
Classification: Uncertain significance for Hereditary cancer-predisposing syndrome. Last evaluated: 2024-03-03. Review status: criteria provided, single submitter. Criteria: ACMG Guidelines, 2015. Collection method: clinical testing. Allele origin: germline.
Comment: PM2+BP4

Quest Diagnostics Nichols Institute San Juan Capistrano
Classification: Uncertain significance. Last evaluated: 2023-05-04. Review status: criteria provided, single submitter. Criteria: Quest Diagnostics criteria. Collection method: clinical testing. Allele origin: unknown.
Comment: The frequency of this variant in the general population, 0.000049 (6/123370 chromosomes), is uninformative in assessment of its pathogenicity. In the published literature, the variant has been reported in individuals with breast and/or ovarian cancer (PMID: 16284991 (2005), 16905680 (2007), 17262179 (2007), 29088781 (2017), 34204722 (2021)). A large multifactorial analysis study has classified the variant as a variant of uncertain significance (PMID: 31131967 (2019)). A large multifactorial analysis study has classified the variant as having a low clinical significance (PMID: 31131967 (2019)). Analysis of this variant using bioinformatics tools for the prediction of the effect of amino acid changes on protein structure and function yielded predictions that this variant is benign. Based on the available information, we are unable to determine the clinical significance of this variant.

University of Washington Department of Laboratory Medicine, University of Washington
Classification: Likely benign for Hereditary cancer-predisposing syndrome. Last evaluated: 2023-03-23. Review status: criteria provided, single submitter. Criteria: Dines et al. (Genet Med. 2020). Collection method: curation. Allele origin: germline.
Comment: Missense variant in a coldspot region where missense variants are very unlikely to be pathogenic (PMID:31911673).

BRCA2 exon 11 coldspot. Reclassification based on statistical prior probability.

Women's Health and Genetics/Laboratory Corporation of America, LabCorp
Classification: Uncertain significance. Last evaluated: 2022-12-09. Review status: criteria provided, single submitter. Criteria: LabCorp Variant Classification Summary - May 2015. Collection method: clinical testing. Allele origin: germline.
Comment: Variant summary: BRCA2 c.6443C>A (p.Ser2148Tyr) results in a non-conservative amino acid change in the encoded protein sequence. Three of four in-silico tools predict a benign effect of the variant on protein function. The variant allele was found at a frequency of 2.6e-05 in 231562 control chromosomes. The available data on variant occurrences in the general population are insufficient to allow any conclusion about variant significance. c.6443C>A has been reported in the literature in individuals affected with Hereditary Breast And Ovarian Cancer Syndrome. These reports do not provide unequivocal conclusions about association of the variant with Hereditary Breast And Ovarian Cancer Syndrome. To our knowledge, no experimental evidence demonstrating an impact on protein function has been reported. Nine clinical diagnostic laboratories have submitted clinical-significance assessments for this variant to ClinVar after 2014 without evidence for independent evaluation. Multiple laboratories reported the variant with conflicting assessments (likelye benign n=6, VUS n=3). Based on the evidence outlined above, the variant was classified as uncertain significance.

Genetic Services Laboratory, University of Chicago
Classification: Uncertain significance. Last evaluated: 2020-04-23. Review status: criteria provided, single submitter. Criteria: ACMG Guidelines, 2015. Collection method: clinical testing. Allele origin: germline. Affected: no.
Comment: DNA sequence analysis of the BRCA2 gene demonstrated a sequence change, c.6443C>A, in exon 11 that results in an amino acid change, p.Ser2148Tyr. This sequence change has been previously described in patient cohorts with breast and ovarian cancer but no additional information was provided to assess its significance (PMIDs: 29088781, 16284991 and 16905680). It has been described in the gnomAD database with a low population frequency of 0.0027% (dbSNP rs80358880). The p.Ser2148Tyr change affects a moderately conserved amino acid residue located in a domain of the BRCA2 protein that is known to be functional. The p.Ser2148Tyr substitution appears to be possibly benign using several in-silico pathogenicity prediction tools (SIFT, PolyPhen2, Align GVGD). Due to these contrasting evidences and the lack of functional studies, the clinical significance of the p.Ser2148Tyr change remains unknown at this time.

GeneDx
Classification: Likely benign. Last evaluated: 2020-03-09. Review status: criteria provided, single submitter. Criteria: GeneDx Variant Classification Process June 2021. Collection method: clinical testing. Allele origin: germline. Affected: yes.
Comment: This variant is associated with the following publications: (PMID: 10923033, 16284991, 16905680, 17262179, 29088781, 30995915, 31131967)

Mendelics
Classification: Likely benign for Breast-ovarian cancer, familial, susceptibility to, 2. Last evaluated: 2019-05-28. Review status: criteria provided, single submitter. Criteria: Mendelics Assertion Criteria 2017. Collection method: clinical testing. Allele origin: unknown.

Ambry Genetics
Classification: Likely benign for Hereditary cancer-predisposing syndrome. Last evaluated: 2018-02-22. Review status: criteria provided, single submitter. Criteria: Ambry Variant Classification Scheme 2023. Collection method: clinical testing. Allele origin: germline.

Color Diagnostics, LLC DBA Color Health
Classification: Likely benign for Hereditary cancer-predisposing syndrome. Last evaluated: 2015-08-04. Review status: criteria provided, single submitter. Criteria: ACMG Guidelines, 2015. Collection method: clinical testing. Allele origin: germline.

Counsyl
Classification: Uncertain significance for Breast-ovarian cancer, familial, susceptibility to, 2. Last evaluated: 2015-12-18. Review status: no assertion criteria provided. Collection method: clinical testing. Allele origin: unknown. Not counted in ClinVar's aggregate classification.

Sharing Clinical Reports Project (SCRP)
Classification: Benign for Breast-ovarian cancer, familial 2. Last evaluated: 2012-04-27. Review status: no assertion criteria provided. Collection method: clinical testing. Allele origin: germline. Not counted in ClinVar's aggregate classification.

Breast Cancer Information Core (BIC) (BRCA2)
Classification: Uncertain significance for Breast-ovarian cancer, familial 2. Last evaluated: 2004-02-20. Review status: no assertion criteria provided. Collection method: clinical testing. Allele origin: germline. Affected: yes. Observed: 7 variant alleles. Not counted in ClinVar's aggregate classification.

Department of Pathology and Laboratory Medicine, Sinai Health System
Classification: Uncertain significance for Malignant tumor of breast. Review status: no assertion criteria provided. Collection method: clinical testing. Allele origin: unknown. Affected: yes. Observed: 1 variant allele. Study: The Canadian Open Genetics Repository (COGR). Not counted in ClinVar's aggregate classification.
Comment: The BRCA2 p.Ser2148Tyr variant was identified in 2 of 930 proband chromosomes (frequency 0.002) from individuals or families with breast or ovarian cancer (Pal 2005, Simard 2007); however, control chromosomes were not evaluated in these studies. The variant was also identified in dbSNP (ID: rs80358880) â€šÃ„ÃºWith non-pathogenic alleleâ€šÃ„Ã¹, UMD (1X as an unclassified variant), and the BIC database (7X with unknown clinical importance). The variant was listed in the NHLBI Exome Sequencing Project in 1 of 8600 European American alleles (frequency: 0.0001), increasing the likelihood that this may represent a low frequency benign variant in certain populations. This residue is not conserved in mammals and computational analyses (PolyPhen-2, SIFT, AlignGVGD) do not suggest a high likelihood of impact to the protein. However, this information is not predictive enough to rule out pathogenicity. In summary, based on the above information, the clinical significance of this variant cannot be determined with certainty at this time. This variant is classified as a variant of unknown significance.

Literature cited by the submitters: PubMed 29088781 (cited by Quest Diagnostics Nichols Institute San Juan Capistrano and Women's Health and Genetics/Laboratory Corporation of America, LabCorp); PubMed 16284991 (cited by 4 submitters); PubMed 16905680 (cited by 4 submitters); PubMed 33471991 (cited by Quest Diagnostics Nichols Institute San Juan Capistrano); PubMed 31131967 (cited by Quest Diagnostics Nichols Institute San Juan Capistrano); PubMed 34204722 (cited by Quest Diagnostics Nichols Institute San Juan Capistrano and Women's Health and Genetics/Laboratory Corporation of America, LabCorp); PubMed 31911673 (cited by Quest Diagnostics Nichols Institute San Juan Capistrano); PubMed 17262179 (cited by 3 submitters); PubMed 25348012 (cited by Quest Diagnostics Nichols Institute San Juan Capistrano); PubMed 26295337 (cited by Quest Diagnostics Nichols Institute San Juan Capistrano).